The following is an entry in ClinVar:

ClinVar aggregate classification (germline): Benign (1 of 4 stars; one submission).

Allele frequency attached by ClinVar (database versions not stated): 1000 Genomes Project 0.00040; TOPMed 0.00153; 1000 Genomes Project 30x 0.00047; gnomAD exomes 0.00148; gnomAD 0.00152.

Submission:

CeGaT Center for Human Genetics Tuebingen
Classification: Benign. Last evaluated: 2022-07-01. Review status: criteria provided, single submitter. Criteria: CeGaT Center For Human Genetics Tuebingen Variant Classification Criteria Version 2. Collection method: clinical testing. Allele origin: germline. Affected: yes. Observed: 1 variant allele.
Comment: NFKB2: BS1, BS2

NM_001077494.3(NFKB2):c.-72-251C>A

Gene: NFKB2 (nuclear factor kappa B subunit 2; plus strand). Cytogenetic location: 10q24.32.
Variant type: single nucleotide variant.
Coding change: c.-72-251C>A on transcript NM_001077494.3; 251 bases into the intron before 72 bases upstream of the start codon, C replaced by A.
Molecular consequence: intron variant.
Genome position (GRCh38, 1-based): chr10:102,395,637, C>A. VCF-style: chr10-102395637-C-A. GRCh37 (hg19) VCF-style: chr10-104155394-C-A.
Other names: c.-72-251C>A (NM_001288724.1, NM_001322935.1).
Identifiers: ClinVar variation 2640790 (VCV002640790.22), dbSNP rs574565770, ClinGen allele CA212211636.